The following is an entry in ClinVar:

NM_016239.4(MYO15A):c.1946C>G (p.Pro649Arg)

Gene: MYO15A (myosin XVA; plus strand). Cytogenetic location: 17p11.2.
Variant type: single nucleotide variant.
Coding change: c.1946C>G on transcript NM_016239.4 (MANE Select); coding-DNA position 1946, C replaced by G.
Protein change: p.Pro649Arg; replaces proline 649 with arginine.
Molecular consequence: missense variant.
Genome position (GRCh38, 1-based): chr17:18,120,746, C>G. VCF-style: chr17-18120746-C-G. GRCh37 (hg19) VCF-style: chr17-18024060-C-G.
Other names: p.Pro649Arg; short protein forms P649R.
Identifiers: ClinVar variation 2219245 (VCV002219245.4), dbSNP rs1309723288, ClinGen allele CA398580523.

ClinVar aggregate classification (germline): Uncertain significance. Review status: criteria provided, multiple submitters, no conflicts (2 of 4 stars). 2 submissions from 2 submitters: Uncertain significance (2). Last evaluated 2024-11-28.

Conditions:
Inborn genetic diseases. Identifiers: MedGen C0950123, MeSH D030342.

Allele frequency attached by ClinVar (database versions not stated): gnomAD exomes 0.00003; TOPMed 0.00004; gnomAD 0.00005.
gnomAD v4.1: 41 of 1,463,088 alleles (0.0028%); highest among the groups gnomAD compares: Admixed American, 0.0051%; no homozygotes.

Submissions (2):

Ambry Genetics
Classification: Uncertain significance for Inborn genetic diseases. Last evaluated: 2024-11-28. Review status: criteria provided, single submitter. Criteria: Ambry Variant Classification Scheme 2023. Collection method: clinical testing. Allele origin: germline.

Mayo Clinic Laboratories, Mayo Clinic
Classification: Uncertain significance. Last evaluated: 2022-08-22. Review status: criteria provided, single submitter. Criteria: ACMG Guidelines, 2015. Collection method: clinical testing. Allele origin: germline. Observed: 1 variant allele.
Comment: PM2